The following is an entry in ClinVar:

ClinVar aggregate classification (germline): Uncertain significance. Review status: criteria provided, multiple submitters, no conflicts (2 of 4 stars). 2 submissions from 2 submitters: Uncertain significance (2). Last evaluated 2024-07-30.

Submissions (2):

Dasa
Classification: Uncertain significance. Last evaluated: 2024-07-30. Review status: criteria provided, single submitter. Criteria: DASA Assertion Criteria. Collection method: clinical testing. Allele origin: germline.
Comment: NM_014915.3(ANKRD26):c.1508_1511del (p.Lys503Ilefs*10) is a frameshift variant in ANKRD26 predicted to alter the reading frame and introduce a premature termination codon. This variant is rare in population databases. The currently available literature and clinical evidence are not sufficient to establish a definitive association between this variant and the reported condition. Therefore, this variant is classified as a variant of uncertain significance.

GeneDx
Classification: Uncertain significance. Last evaluated: 2023-06-16. Review status: criteria provided, single submitter. Criteria: GeneDx Variant Classification Process June 2021. Collection method: clinical testing. Allele origin: germline.
Comment: Has not been previously published as pathogenic or benign to our knowledge; Not observed at significant frequency in large population cohorts (gnomAD)

NM_014915.3(ANKRD26):c.1508_1511del (p.Lys503fs)

Gene: ANKRD26 (ankyrin repeat domain 26; minus strand). Cytogenetic location: 10p12.1.
Variant type: Deletion.
Coding change: c.1508_1511del on transcript NM_014915.3 (MANE Select); coding-DNA positions 1508 to 1511, 4 bases deleted (AAGA; older notation c.1508_1511delAAGA).
Protein change: p.Lys503fs; shifts the reading frame from lysine 503.
Molecular consequence: frameshift variant.
Genome position (GRCh38, 1-based): chr10:27,060,398-27,060,401, TCTT deleted on the plus strand (AAGA on the coding strand, the reverse complement: ANKRD26 is on the minus strand); deleting any 4 consecutive bases within chr10:27,060,398-27,060,403 gives the same sequence; the c. name uses the placement nearest the transcript's 3' end. VCF-style (leftmost placement, unchanged base first): chr10-27060397-ATCTT-A. GRCh37 (hg19) VCF-style: chr10-27349326-ATCTT-A.
Other names: c.1508_1511del, p.Lys503fs (NM_001256053.2); c.1506_1509delGAAA, p.Lys503Ilefs (NM_014915.2); short protein forms K503fs.
Identifiers: ClinVar variation 2444679 (VCV002444679.3), dbSNP rs1169788038, ClinGen allele CA592381988.
Genomic context (GRCh38, chr10:27,060,397, plus strand): 5'-ACATTTACCTGCTTTGGATGTTTGTACATCCTTCATTCCTCCTGCTTTATTTGGAACAGA[ATCTT>A]TCATTTCAATGGTAGGCTGAATGGGTTTTGAAACAAAATGATTAATAAATAATGTATACT-3'